The following is an entry in ClinVar:

NM_001048174.2(MUTYH):c.788C>A (p.Thr263Asn)

Gene: MUTYH (mutY DNA glycosylase; minus strand). Cytogenetic location: 1p34.1.
Variant type: single nucleotide variant.
Coding change: c.788C>A on transcript NM_001048174.2 (MANE Select); coding-DNA position 788, C replaced by A.
Protein change: p.Thr263Asn; replaces threonine 263 with asparagine.
Molecular consequence: missense variant. On other transcripts: non-coding transcript variant (7).
Genome position (GRCh38, 1-based): chr1:45,332,227, G>T on the plus strand (C>A on the coding strand, the complement: MUTYH is on the minus strand). VCF-style: chr1-45332227-G-T. GRCh37 (hg19) VCF-style: chr1-45797899-G-T.
Other names: c.788C>A, p.Thr263Asn (NM_001048171.2, NM_001407070.1, NM_001407072.1 and 6 more transcripts); c.791C>A, p.Thr264Asn (NM_001048172.2, NM_001407071.1, NM_001407078.1 and 1 more transcripts); c.443C>A, p.Thr148Asn (NM_001350651.2, NM_001350650.2, NM_001407082.1); c.821C>A, p.Thr274Asn (NM_001407069.1, NM_001407077.1, NM_001293191.2); c.704C>A, p.Thr235Asn (NM_001407075.1); c.512C>A, p.Thr171Asn (NM_001407091.1, NM_001293192.2, NM_001293196.2); c.863C>A, p.Thr288Asn (NM_012222.3); c.872C>A, p.Thr291Asn (NM_001128425.2); and 5 more; short protein forms T235N, T264N, T288N, T148N, T171N, T250N, T263N, T277N.
Identifiers: ClinVar variation 4113873 (VCV004113873.1).

ClinVar aggregate classification (germline): Uncertain significance (1 of 4 stars; one submission).

Conditions:
Hereditary cancer-predisposing syndrome. Also called: Hereditary neoplastic syndrome; Neoplastic Syndromes, Hereditary; Tumor predisposition; Hereditary Cancer Syndrome. Identifiers: Orphanet 140162, MedGen C0027672, MeSH D009386, MONDO:0015356.

Submission:

Ambry Genetics
Classification: Uncertain significance for Hereditary cancer-predisposing syndrome. Last evaluated: 2025-08-27. Review status: criteria provided, single submitter. Criteria: Ambry Variant Classification Scheme 2023. Collection method: clinical testing. Allele origin: germline.
Comment: The p.T291N variant (also known as c.872C>A), located in coding exon 10 of the MUTYH gene, results from a C to A substitution at nucleotide position 872. The threonine at codon 291 is replaced by asparagine, an amino acid with similar properties. This amino acid position is conserved. In addition, the in silico prediction for this alteration is inconclusive. Based on the available evidence, the clinical significance of this variant remains unclear.